The following is an entry in ClinVar:

ClinVar aggregate classification (germline): Uncertain significance (1 of 4 stars; one submission).

Submission:

Labcorp Genetics (formerly Invitae), Labcorp
Classification: Uncertain significance. Last evaluated: 2023-03-26. Review status: criteria provided, single submitter. Criteria: Invitae Variant Classification Sherloc (09022015). Collection method: clinical testing. Allele origin: germline.
Comment: This sequence change replaces threonine, which is neutral and polar, with arginine, which is basic and polar, at codon 642 of the PLXNA2 protein (p.Thr642Arg). This variant is not present in population databases (gnomAD no frequency). This variant has not been reported in the literature in individuals affected with PLXNA2-related conditions. An algorithm developed to predict the effect of missense changes on protein structure and function (PolyPhen-2) suggests that this variant is likely to be disruptive. In summary, the available evidence is currently insufficient to determine the role of this variant in disease. Therefore, it has been classified as a Variant of Uncertain Significance.

NM_025179.4(PLXNA2):c.1925C>G (p.Thr642Arg)

Gene: PLXNA2 (plexin A2; minus strand). Cytogenetic location: 1q32.2.
Variant type: single nucleotide variant.
Coding change: c.1925C>G on transcript NM_025179.4 (MANE Select); coding-DNA position 1925, C replaced by G.
Protein change: p.Thr642Arg; replaces threonine 642 with arginine.
Molecular consequence: missense variant.
Genome position (GRCh38, 1-based): chr1:208,096,086, G>C on the plus strand (C>G on the coding strand, the complement: PLXNA2 is on the minus strand). VCF-style: chr1-208096086-G-C. GRCh37 (hg19) VCF-style: chr1-208269431-G-C.
Other names: short protein forms T642R.
Identifiers: ClinVar variation 2849819 (VCV002849819.3), dbSNP rs2526716150, ClinGen allele CA344555876.